The following is an entry in ClinVar:

NM_176824.3(BBS7):c.1160T>C (p.Leu387Pro)

Gene: BBS7 (Bardet-Biedl syndrome 7; minus strand). Cytogenetic location: 4q27.
Variant type: single nucleotide variant.
Coding change: c.1160T>C on transcript NM_176824.3 (MANE Select); coding-DNA position 1160, T replaced by C.
Protein change: p.Leu387Pro; replaces leucine 387 with proline.
Molecular consequence: missense variant.
Genome position (GRCh38, 1-based): chr4:121,845,574, A>G on the plus strand (T>C on the coding strand, the complement: BBS7 is on the minus strand). VCF-style: chr4-121845574-A-G. GRCh37 (hg19) VCF-style: chr4-122766729-A-G.
Other names: c.1160T>C, p.Leu387Pro (NM_018190.4); short protein forms L387P.
Identifiers: ClinVar variation 1409876 (VCV001409876.8), dbSNP rs2149068760, ClinGen allele CA358062107.

ClinVar aggregate classification (germline): Uncertain significance (1 of 4 stars; one submission).

Conditions:
Bardet-Biedl syndrome (BBS). Identifiers: Orphanet 110, MedGen C0752166, MONDO:0015229.

Submission:

Labcorp Genetics (formerly Invitae), Labcorp
Classification: Uncertain significance for Bardet-Biedl syndrome. Last evaluated: 2021-08-05. Review status: criteria provided, single submitter. Criteria: Invitae Variant Classification Sherloc (09022015). Collection method: clinical testing. Allele origin: germline.
Comment: In summary, the available evidence is currently insufficient to determine the role of this variant in disease. Therefore, it has been classified as a Variant of Uncertain Significance. Algorithms developed to predict the effect of missense changes on protein structure and function (SIFT, PolyPhen-2, Align-GVGD) all suggest that this variant is likely to be disruptive, but these predictions have not been confirmed by published functional studies and their clinical significance is uncertain. This variant has not been reported in the literature in individuals with BBS7-related conditions. This variant is not present in population databases (ExAC no frequency). This sequence change replaces leucine with proline at codon 387 of the BBS7 protein (p.Leu387Pro). The leucine residue is highly conserved and there is a moderate physicochemical difference between leucine and proline.